The following is an entry in ClinVar:

NM_001267550.2(TTN):c.107023C>T (p.Leu35675Phe)

Genes: TTN (titin; minus strand), TTN-AS1 (TTN antisense RNA 1; plus strand). Cytogenetic location: 2q31.2.
Variant type: single nucleotide variant.
Coding change: c.107023C>T on transcript NM_001267550.2 (MANE Select); coding-DNA position 107023, C replaced by T.
Protein change: p.Leu35675Phe; replaces leucine 35675 with phenylalanine.
Molecular consequence: missense variant.
Genome position (GRCh38, 1-based): chr2:178,528,728, G>A on the plus strand (C>T on the coding strand, the complement: TTN is on the minus strand). VCF-style: chr2-178528728-G-A. GRCh37 (hg19) VCF-style: chr2-179393455-G-A.
Other names: c.102100C>T, p.Leu34034Phe (NM_001256850.1); c.79828C>T, p.Leu26610Phe (NM_003319.4); c.99319C>T, p.Leu33107Phe (NM_133378.4); c.80203C>T, p.Leu26735Phe (NM_133432.3); c.80404C>T, p.Leu26802Phe (NM_133437.4); short protein forms L33107F, L34034F, L26610F, L26735F, L26802F, L35675F.
Identifiers: ClinVar variation 2068950 (VCV002068950.4), dbSNP rs2468298413, ClinGen allele CA349402214.

ClinVar aggregate classification (germline): Uncertain significance (1 of 4 stars; one submission).

Conditions:
Dilated cardiomyopathy 1G (CMD1G). Identifiers: Orphanet 154, MedGen C1858763, MONDO:0011400, OMIM 604145.
Autosomal recessive limb-girdle muscular dystrophy type 2J (LGMDR10). Also called: Limb-girdle muscular dystrophy, type 2J; MUSCULAR DYSTROPHY, LIMB-GIRDLE, AUTOSOMAL RECESSIVE 10. Identifiers: Orphanet 140922, MedGen C1837342, MONDO:0012127, OMIM 608807.

Submission:

Labcorp Genetics (formerly Invitae), Labcorp
Classification: Uncertain significance for Dilated cardiomyopathy 1G; Autosomal recessive limb-girdle muscular dystrophy type 2J. Last evaluated: 2022-01-01. Review status: criteria provided, single submitter. Criteria: Invitae Variant Classification Sherloc (09022015). Collection method: clinical testing. Allele origin: germline.
Comment: This variant is located in the M band of TTN (PMID: 25589632). Variants in this region may be relevant for neuromuscular disorders, but have not been definitively shown to cause cardiomyopathy (PMID: 23975875). In summary, the available evidence is currently insufficient to determine the role of this variant in disease. Therefore, it has been classified as a Variant of Uncertain Significance. Experimental studies and prediction algorithms are not available or were not evaluated, and the functional significance of this variant is currently unknown. This variant has not been reported in the literature in individuals affected with TTN-related conditions. This variant is not present in population databases (gnomAD no frequency). This sequence change replaces leucine, which is neutral and non-polar, with phenylalanine, which is neutral and non-polar, at codon 35675 of the TTN protein (p.Leu35675Phe).

Literature cited by the submitters: PubMed 25589632; PubMed 23975875.